The following is an entry in ClinVar:

NM_020822.3(KCNT1):c.759+3A>G

Gene: KCNT1 (potassium sodium-activated channel subfamily T member 1; plus strand). Cytogenetic location: 9q34.3.
Variant type: single nucleotide variant.
Coding change: c.759+3A>G on transcript NM_020822.3 (MANE Select); 3 bases into the intron after coding-DNA position 759, A replaced by G.
Molecular consequence: intron variant.
Genome position (GRCh38, 1-based): chr9:135,757,384, A>G. VCF-style: chr9-135757384-A-G. GRCh37 (hg19) VCF-style: chr9-138649230-A-G.
Other names: c.615+3A>G (NM_001272003.2).
Identifiers: ClinVar variation 3752277 (VCV003752277.2).

ClinVar aggregate classification (germline): Uncertain significance (1 of 4 stars; one submission).

Conditions:
Autosomal dominant nocturnal frontal lobe epilepsy 5. Also called: KCNT1-Related Epilepsy; CILIARY DYSKINESIA, PRIMARY, 28, WITHOUT SITUS INVERSUS; CILIARY DYSKINESIA, PRIMARY, 28, WITH SITUS INVERSUS; Epilepsy, nocturnal frontal lobe, 5. Identifiers: Orphanet 98784, MedGen C3554306, MONDO:0014002, OMIM 615005.
Developmental and epileptic encephalopathy, 14 (DEE14). Also called: Early infantile epileptic encephalopathy 14. Identifiers: Orphanet 293181, MedGen C3554195, MONDO:0013989, OMIM 614959.

gnomAD v4.1: 5 of 1,603,930 alleles (0.00031%); highest among the groups gnomAD compares: South Asian, 0.0055%; no homozygotes.

Submission:

Labcorp Genetics (formerly Invitae), Labcorp
Classification: Uncertain significance for Autosomal dominant nocturnal frontal lobe epilepsy 5; Developmental and epileptic encephalopathy, 14. Last evaluated: 2024-05-12. Review status: criteria provided, single submitter. Criteria: Invitae Variant Classification Sherloc (09022015). Collection method: clinical testing. Allele origin: germline.
Comment: This sequence change falls in intron 9 of the KCNT1 gene. It does not directly change the encoded amino acid sequence of the KCNT1 protein. It affects a nucleotide within the consensus splice site. This variant is not present in population databases (gnomAD no frequency). This variant has not been reported in the literature in individuals affected with KCNT1-related conditions. Variants that disrupt the consensus splice site are a relatively common cause of aberrant splicing (PMID: 17576681, 9536098). Algorithms developed to predict the effect of sequence changes on RNA splicing suggest that this variant is not likely to affect RNA splicing. In summary, the available evidence is currently insufficient to determine the role of this variant in disease. Therefore, it has been classified as a Variant of Uncertain Significance.

Literature cited by the submitters: PubMed 17576681; PubMed 9536098.